The following is an entry in ClinVar:

NM_001211.6(BUB1B):c.180-3C>G

Gene: BUB1B (BUB1 mitotic checkpoint serine/threonine kinase B; plus strand). Cytogenetic location: 15q15.1.
Variant type: single nucleotide variant.
Coding change: c.180-3C>G on transcript NM_001211.6 (MANE Select); 3 bases into the intron before coding-DNA position 180, C replaced by G.
Molecular consequence: intron variant.
Genome position (GRCh38, 1-based): chr15:40,170,059, C>G. VCF-style: chr15-40170059-C-G. GRCh37 (hg19) VCF-style: chr15-40462260-C-G.
Identifiers: ClinVar variation 2900972 (VCV002900972.3), dbSNP rs200483866, ClinGen allele CA2739278836.

ClinVar aggregate classification (germline): Uncertain significance (1 of 4 stars; one submission).

Conditions:
Mosaic variegated aneuploidy syndrome 1 (MVA1). Also called: Warburton-Anyane-Yeboa syndrome. Identifiers: Orphanet 1052, MedGen C1850343, MONDO:0009759, OMIM 257300.

Submission:

Labcorp Genetics (formerly Invitae), Labcorp
Classification: Uncertain significance for Mosaic variegated aneuploidy syndrome 1. Last evaluated: 2023-10-05. Review status: criteria provided, single submitter. Criteria: Invitae Variant Classification Sherloc (09022015). Collection method: clinical testing. Allele origin: germline.
Comment: This sequence change falls in intron 2 of the BUB1B gene. It does not directly change the encoded amino acid sequence of the BUB1B protein. It affects a nucleotide within the consensus splice site. This variant is not present in population databases (gnomAD no frequency). This variant has not been reported in the literature in individuals affected with BUB1B-related conditions. Variants that disrupt the consensus splice site are a relatively common cause of aberrant splicing (PMID: 17576681, 9536098). Algorithms developed to predict the effect of sequence changes on RNA splicing suggest that this variant may disrupt the consensus splice site. In summary, the available evidence is currently insufficient to determine the role of this variant in disease. Therefore, it has been classified as a Variant of Uncertain Significance.

Literature cited by the submitters: PubMed 17576681; PubMed 9536098.